The following is an entry in ClinVar:

ClinVar aggregate classification (germline): Uncertain significance. Review status: criteria provided, multiple submitters, no conflicts (2 of 4 stars). 2 submissions from 2 submitters: Uncertain significance (2). Last evaluated 2024-11-05.

Allele frequency attached by ClinVar (database versions not stated): gnomAD exomes below 0.00001.
gnomAD v4.1: 3 of 1,609,514 alleles (0.00019%); highest among the groups gnomAD compares: Admixed American, 0.0017%; no homozygotes.

Submissions (2):

Labcorp Genetics (formerly Invitae), Labcorp
Classification: Uncertain significance. Last evaluated: 2024-11-05. Review status: criteria provided, single submitter. Criteria: Invitae Variant Classification Sherloc (09022015). Collection method: clinical testing. Allele origin: germline.
Comment: This sequence change replaces alanine, which is neutral and non-polar, with valine, which is neutral and non-polar, at codon 28 of the KLHL7 protein (p.Ala28Val). This variant is not present in population databases (gnomAD no frequency). This variant has not been reported in the literature in individuals affected with KLHL7-related conditions. ClinVar contains an entry for this variant (Variation ID: 1520266). An algorithm developed to predict the effect of missense changes on protein structure and function (PolyPhen-2) suggests that this variant is likely to be disruptive. Algorithms developed to predict the effect of sequence changes on RNA splicing suggest that this variant may create or strengthen a splice site. In summary, the available evidence is currently insufficient to determine the role of this variant in disease. Therefore, it has been classified as a Variant of Uncertain Significance.

Blueprint Genetics
Classification: Uncertain significance. Last evaluated: 2022-09-26. Review status: criteria provided, single submitter. Criteria: ACMG Guidelines, 2015. Collection method: clinical testing. Allele origin: germline.

NM_001031710.3(KLHL7):c.83C>T (p.Ala28Val)

Gene: KLHL7 (kelch like family member 7; plus strand). Cytogenetic location: 7p15.3.
Variant type: single nucleotide variant.
Coding change: c.83C>T on transcript NM_001031710.3 (MANE Select); coding-DNA position 83, C replaced by T.
Protein change: p.Ala28Val; replaces alanine 28 with valine.
Molecular consequence: missense variant. On other transcripts: non-coding transcript variant (2).
Genome position (GRCh38, 1-based): chr7:23,106,109, C>T. VCF-style: chr7-23106109-C-T. GRCh37 (hg19) VCF-style: chr7-23145728-C-T.
Other names: c.83C>T, p.Ala28Val (NM_001172428.2); short protein forms A28V.
Identifiers: ClinVar variation 1520266 (VCV001520266.9), dbSNP rs2128454624, ClinGen allele CA366972692.